The following is an entry in ClinVar:

ClinVar aggregate classification (germline): Likely pathogenic (1 of 4 stars; one submission).

Conditions:
Long QT syndrome (LQTS). Identifiers: MedGen C0023976, MeSH D008133, MONDO:0002442. Disease mechanism: loss of function. Inheritance: Various modes of inheritance.

Submission:

Labcorp Genetics (formerly Invitae), Labcorp
Classification: Likely pathogenic for Long QT syndrome. Last evaluated: 2024-11-06. Review status: criteria provided, single submitter. Criteria: Invitae Variant Classification Sherloc (09022015). Collection method: clinical testing. Allele origin: germline.
Comment: This sequence change affects a donor splice site in intron 14 of the KCNQ1 gene. It is expected to disrupt RNA splicing. Variants that disrupt the donor or acceptor splice site typically lead to a loss of protein function (PMID: 16199547), and loss-of-function variants in KCNQ1 are known to be pathogenic (PMID: 9323054, 19862833). This variant is not present in population databases (gnomAD no frequency). This variant has not been reported in the literature in individuals affected with KCNQ1-related conditions. ClinVar contains an entry for this variant (Variation ID: 956049). Algorithms developed to predict the effect of sequence changes on RNA splicing suggest that this variant may disrupt the consensus splice site. In summary, the currently available evidence indicates that the variant is pathogenic, but additional data are needed to prove that conclusively. Therefore, this variant has been classified as Likely Pathogenic.

Literature cited by the submitters: PubMed 16199547; PubMed 9323054; PubMed 19862833.

NM_000218.3(KCNQ1):c.1732+1G>A

Gene: KCNQ1 (potassium voltage-gated channel subfamily Q member 1; plus strand). Cytogenetic location: 11p15.5.
Variant type: single nucleotide variant.
Coding change: c.1732+1G>A on transcript NM_000218.3 (MANE Select); the canonical splice donor site of the intron after coding-DNA position 1732, G replaced by A.
Molecular consequence: splice donor variant.
Genome position (GRCh38, 1-based): chr11:2,777,033, G>A. VCF-style: chr11-2777033-G-A. GRCh37 (hg19) VCF-style: chr11-2798263-G-A.
Other names: c.1462+1G>A (NM_001406837.1); c.1636+1G>A (NM_001406836.1); c.1192+1G>A (NM_001406838.1); c.1351+1G>A (NM_181798.2).
Identifiers: ClinVar variation 956049 (VCV000956049.9), dbSNP rs1846719993, ClinGen allele CA379139349.